The following is an entry in ClinVar:

ClinVar aggregate classification (germline): Likely benign (1 of 4 stars; one submission).

Conditions:
FTL-related disorder. Also called: FTL-related condition.

Submission:

PreventionGenetics, part of Exact Sciences
Classification: Likely benign for FTL-related condition. Last evaluated: 2024-12-19. Review status: criteria provided, single submitter. Criteria: ACMG Guidelines, 2015. Collection method: clinical testing. Allele origin: germline.
Comment: This variant is classified as likely benign based on ACMG/AMP sequence variant interpretation guidelines (Richards et al. 2015 PMID: 25741868, with internal and published modifications).

NM_000146.4(FTL):c.-152G>C

Gene: FTL (ferritin light chain; plus strand). Cytogenetic location: 19q13.33.
Variant type: single nucleotide variant.
Coding change: c.-152G>C on transcript NM_000146.4 (MANE Select); 152 bases upstream of the start codon, G replaced by C.
Molecular consequence: 5 prime UTR variant.
Genome position (GRCh38, 1-based): chr19:48,965,356, G>C. VCF-style: chr19-48965356-G-C. GRCh37 (hg19) VCF-style: chr19-49468613-G-C.
Identifiers: ClinVar variation 5000736 (VCV005000736.1).